The following is an entry in ClinVar:

ClinVar aggregate classification (germline): Uncertain significance (1 of 4 stars; one submission).

Submission:

GeneDx
Classification: Uncertain significance. Last evaluated: 2024-07-22. Review status: criteria provided, single submitter. Criteria: GeneDx Variant Classification Process June 2021. Collection method: clinical testing. Allele origin: germline. Affected: yes.
Comment: Not observed at significant frequency in large population cohorts (gnomAD); In silico analysis supports that this missense variant has a deleterious effect on protein structure/function; Has not been previously published as pathogenic or benign to our knowledge

NM_001270.4(CHD1):c.2011T>C (p.Phe671Leu)

Gene: CHD1 (chromodomain helicase DNA binding protein 1; minus strand). Cytogenetic location: 5q15.
Variant type: single nucleotide variant.
Coding change: c.2011T>C on transcript NM_001270.4 (MANE Select); coding-DNA position 2011, T replaced by C.
Protein change: p.Phe671Leu; replaces phenylalanine 671 with leucine.
Molecular consequence: missense variant. On other transcripts: non-coding transcript variant (2).
Genome position (GRCh38, 1-based): chr5:98,892,694, A>G on the plus strand (T>C on the coding strand, the complement: CHD1 is on the minus strand). VCF-style: chr5-98892694-A-G. GRCh37 (hg19) VCF-style: chr5-98228398-A-G.
Other names: c.2011T>C, p.Phe671Leu (NM_001364113.3, NM_001376194.2); short protein forms F671L.
Identifiers: ClinVar variation 3600968 (VCV003600968.1).